The following is an entry in ClinVar:

ClinVar aggregate classification (germline): Uncertain significance (1 of 4 stars; one submission).

Conditions:
Epileptic encephalopathy. Identifiers: MedGen C0543888, HP:0200134.

Allele frequency attached by ClinVar (database versions not stated): gnomAD exomes below 0.00001 and 0.00001; gnomAD 0.00001; TOPMed 0.00001; ExAC 0.00002.
gnomAD v4.1: 5 of 1,611,124 alleles (0.00031%); highest among the groups gnomAD compares: African/African-American, 0.004%; no homozygotes.

Submission:

Labcorp Genetics (formerly Invitae), Labcorp
Classification: Uncertain significance for Epileptic encephalopathy. Last evaluated: 2022-09-01. Review status: criteria provided, single submitter. Criteria: Invitae Variant Classification Sherloc (09022015). Collection method: clinical testing. Allele origin: germline.
Comment: This variant has not been reported in the literature in individuals affected with FASN-related conditions. This variant is present in population databases (rs748965996, gnomAD 0.009%). This sequence change replaces serine, which is neutral and polar, with proline, which is neutral and non-polar, at codon 1427 of the FASN protein (p.Ser1427Pro). ClinVar contains an entry for this variant (Variation ID: 1499361). In summary, the available evidence is currently insufficient to determine the role of this variant in disease. Therefore, it has been classified as a Variant of Uncertain Significance. Algorithms developed to predict the effect of missense changes on protein structure and function output the following: SIFT: "Tolerated"; PolyPhen-2: "Benign"; Align-GVGD: "Class C0". The proline amino acid residue is found in multiple mammalian species, which suggests that this missense change does not adversely affect protein function.

NM_004104.5(FASN):c.4279T>C (p.Ser1427Pro)

Gene: FASN (fatty acid synthase; minus strand). Cytogenetic location: 17q25.3.
Variant type: single nucleotide variant.
Coding change: c.4279T>C on transcript NM_004104.5 (MANE Select); coding-DNA position 4279, T replaced by C.
Protein change: p.Ser1427Pro; replaces serine 1427 with proline.
Molecular consequence: missense variant.
Genome position (GRCh38, 1-based): chr17:82,085,246, A>G on the plus strand (T>C on the coding strand, the complement: FASN is on the minus strand). VCF-style: chr17-82085246-A-G. GRCh37 (hg19) VCF-style: chr17-80043122-A-G.
Other names: short protein forms S1427P.
Identifiers: ClinVar variation 1499361 (VCV001499361.8), dbSNP rs748965996, ClinGen allele CA8852126.